The following is an entry in ClinVar:

NM_005412.6(SHMT2):c.1471C>T (p.Gln491Ter)

Gene: SHMT2 (serine hydroxymethyltransferase 2; plus strand). Cytogenetic location: 12q13.3.
Variant type: single nucleotide variant.
Coding change: c.1471C>T on transcript NM_005412.6 (MANE Select); coding-DNA position 1471, C replaced by T.
Protein change: p.Gln491Ter; replaces glutamine 491 with a stop codon.
Molecular consequence: nonsense. On other transcripts: non-coding transcript variant (4).
Genome position (GRCh38, 1-based): chr12:57,234,317, C>T. VCF-style: chr12-57234317-C-T. GRCh37 (hg19) VCF-style: chr12-57628100-C-T.
Other names: c.1441C>T, p.Gln481Ter (NM_001166356.2); c.1408C>T, p.Gln470Ter (NM_001166357.1, NM_001166358.2, NM_001166359.1); short protein forms Q470*, Q481*, Q491*.
Identifiers: ClinVar variation 5000273 (VCV005000273.1).
Genomic context (GRCh38, chr12:57,234,317, plus strand): 5'-TTCCTGCTTAAGGACTCAGAAACAAGTCAGCGTCTGGCCAACCTCAGGCAACGGGTGGAG[C>T]AGTTTGCCAGGGCCTTCCCCATGCCTGGTTTTGATGAGCATTGAAGGCACCTGGGAAATG-3'

ClinVar aggregate classification (germline): Uncertain significance (1 of 4 stars; one submission).

Conditions:
SHMT2-related disorder. Also called: SHMT2-related condition.

Submission:

PreventionGenetics, part of Exact Sciences
Classification: Uncertain significance for SHMT2-related condition. Last evaluated: 2024-12-27. Review status: criteria provided, single submitter. Criteria: ACMG Guidelines, 2015. Collection method: clinical testing. Allele origin: germline.
Comment: The SHMT2 c.1471C>T variant is predicted to result in premature protein termination (p.Gln491*). To our knowledge, this variant has not been reported in the literature or in a large population database (gnomAD), indicating this variant is rare. To date, early termination changes are not an established mechanism of disease. At this time, the clinical significance of this variant is uncertain due to the absence of conclusive functional and genetic evidence.